The following is an entry in ClinVar:

ClinVar aggregate classification (germline): Likely benign. Review status: criteria provided, single submitter (1 of 4 stars). 2 submissions from 2 submitters: Likely benign (1). 1 of the submissions does not count toward it. Last evaluated 2025-11-25.

Conditions:
CDH2-related disorder. Also called: CDH2-related condition.

Allele frequency attached by ClinVar (database versions not stated): ESP Exome Variant Server 0.00008; 1000 Genomes Project 0.00080; 1000 Genomes Project 30x 0.00094.
gnomAD v4.1: 168 of 1,613,850 alleles (0.01%); highest among the groups gnomAD compares: East Asian, 0.094%; 1 homozygote.

Submissions (2):

Labcorp Genetics (formerly Invitae), Labcorp
Classification: Likely benign. Last evaluated: 2025-11-25. Review status: criteria provided, single submitter. Criteria: Invitae Variant Classification Sherloc (09022015). Collection method: clinical testing. Allele origin: germline.

PreventionGenetics, part of Exact Sciences
Classification: Likely benign for CDH2-related condition. Last evaluated: 2023-05-23. Review status: no assertion criteria provided. Collection method: clinical testing. Allele origin: germline. Not counted in ClinVar's aggregate classification.
Comment: This variant is classified as likely benign based on ACMG/AMP sequence variant interpretation guidelines (Richards et al. 2015 PMID: 25741868, with internal and published modifications).

NM_001792.5(CDH2):c.1537G>A (p.Gly513Ser)

Gene: CDH2 (cadherin 2; minus strand). Cytogenetic location: 18q12.1.
Variant type: single nucleotide variant.
Coding change: c.1537G>A on transcript NM_001792.5 (MANE Select); coding-DNA position 1537, G replaced by A.
Protein change: p.Gly513Ser; replaces glycine 513 with serine.
Molecular consequence: missense variant.
Genome position (GRCh38, 1-based): chr18:27,990,158, C>T on the plus strand (G>A on the coding strand, the complement: CDH2 is on the minus strand). VCF-style: chr18-27990158-C-T. GRCh37 (hg19) VCF-style: chr18-25570122-C-T.
Other names: c.1444G>A, p.Gly482Ser (NM_001308176.2); c.1537G>A (NM_001792.4); short protein forms G482S, G513S.
Identifiers: ClinVar variation 1547398 (VCV001547398.10), dbSNP rs201838069, ClinGen allele CA8923370.